The following is an entry in ClinVar:

ClinVar aggregate classification (germline): Pathogenic. Review status: criteria provided, multiple submitters, no conflicts (2 of 4 stars). 11 submissions from 10 submitters: Pathogenic (7). 4 of the submissions do not count toward it. Last evaluated 2025-07-08.

Conditions:
von Willebrand disorder (VWD). Also called: von Willebrand's disease; Von Willebrand disease (hereditary or acquired); von Willebrand Diseases. Identifiers: MedGen C0042974, MeSH D014842, MONDO:0024574.
VWF-related disorder. Also called: VWF-related disorders; VWF-related condition.
Hereditary von Willebrand disease. Identifiers: Orphanet 903, MedGen C5703318, MONDO:0019565. Inheritance: Autosomal recessive or Autosomal dominant.
von Willebrand disease type 2 (VWD2). Also called: VWD, TYPE 2; VON WILLEBRAND DISEASE, TYPE 2A/IIE; VON WILLEBRAND DISEASE, TYPE 2CB; VON WILLEBRAND DISEASE, TYPE II. Identifiers: Orphanet 166081, Orphanet 903, MedGen C1264040, MONDO:0013304, OMIM 613554.
von Willebrand disease type 3 (VWD3). Also called: Type 3 Von Willebrand's disease; Type 3 VWD; Von Willebrand disease, severe form; V WD3; VON WILLEBRAND DISEASE, TYPE III. Identifiers: Orphanet 166096, MedGen C1264041, MONDO:0010191, OMIM 277480.
von Willebrand disease type 1 (VWD1). Also called: VWD, TYPE 1; VON WILLEBRAND DISEASE, TYPE I. Identifiers: Orphanet 166078, Orphanet 903, MedGen C1264039, MONDO:0008668, OMIM 193400. Inheritance: autosomal recessive or autosomal dominant.
Abnormality of blood and blood-forming tissues. Identifiers: MedGen C0850715, HP:0001871.

Allele frequency attached by ClinVar (database versions not stated): gnomAD 0.00001; gnomAD exomes 0.00001 and 0.00002; ExAC 0.00002; TOPMed 0.00002.
gnomAD v4.1: 23 of 1,613,972 alleles (0.0014%); highest among the groups gnomAD compares: African/African-American, 0.0027%; no homozygotes.

Submissions (11):

Women's Health and Genetics/Laboratory Corporation of America, LabCorp
Classification: Pathogenic for von Willebrand disorder. Last evaluated: 2025-07-08. Review status: criteria provided, single submitter. Criteria: LabCorp Variant Classification Summary - May 2015. Collection method: clinical testing. Allele origin: germline.
Comment: Variant summary: VWF c.5557C>T (p.Arg1853X) results in a premature termination codon, predicted to cause a truncation of the encoded protein or absence of the protein due to nonsense mediated decay, which are commonly known mechanisms for disease. The variant allele was found at a frequency of 1.6e-05 in 251446 control chromosomes. c.5557C>T has been observed in multiple heterozygous and bi-allelic individuals affected with Von Willebrand Disease (example: Vangenechten_2022). These data indicate that the variant is very likely to be associated with disease. The following publication has been ascertained in the context of this evaluation (PMID: 36299619). ClinVar contains an entry for this variant (Variation ID: 298). Based on the evidence outlined above, the variant was classified as pathogenic.

Mayo Clinic Laboratories, Mayo Clinic
Classification: Pathogenic. Last evaluated: 2025-04-10. Review status: criteria provided, single submitter. Criteria: ACMG Guidelines, 2015. Collection method: clinical testing. Allele origin: germline. Observed: 2 variant alleles.
Comment: PM2_supporting, PM3_strong, PS4, PVS1

PreventionGenetics, part of Exact Sciences
Classification: Pathogenic for VWF-related condition. Last evaluated: 2023-03-20. Review status: criteria provided, single submitter. Criteria: ACMG Guidelines, 2015. Collection method: clinical testing. Allele origin: germline.
Comment: The VWF c.5557C>T variant is predicted to result in premature protein termination (p.Arg1853*). This variant has been reported in the compound heterozygous and homozygous states in multiple individuals with Von Willebrand disease 3 (Ahmad et al. 2014. PubMed ID: 24712919; Zhang et al. 1992. PubMed ID: 1415226). This variant has also been reported in the heterozygous state in an individual in a cohort study of patients with bleeding disorders (Downes et al. 2019. PubMed ID: 31064749. Suppl3_SNV+INDEL). This variant is reported in 0.0062% of alleles in individuals of African descent in gnomAD. Nonsense variants in VWF are expected to be pathogenic. This variant is interpreted as pathogenic.

Blueprint Genetics
Classification: Pathogenic for VWF-related disorders. Last evaluated: 2021-12-09. Review status: criteria provided, single submitter. Criteria: ACMG Guidelines, 2015. Collection method: clinical testing. Allele origin: germline. Affected: yes. Observed: 3 variant alleles.

Kariminejad - Najmabadi Pathology & Genetics Center
Classification: Pathogenic for Abnormality of blood and blood-forming tissues. Last evaluated: 2021-07-10. Review status: criteria provided, single submitter. Criteria: ACMG Guidelines, 2015. Collection method: clinical testing. Allele origin: germline. Affected: yes.

Genetics and Molecular Pathology, SA Pathology
Classification: Pathogenic for von Willebrand disease type 2. Last evaluated: 2021-02-01. Review status: criteria provided, single submitter. Criteria: ACMG Guidelines, 2015. Collection method: clinical testing. Allele origin: germline. Affected: yes.

NIHR Bioresource Rare Diseases, University of Cambridge
Classification: Pathogenic for von Willebrand disorder. Last evaluated: 2019-02-01. Review status: criteria provided, single submitter. Criteria: ACMG Guidelines, 2015. Collection method: research. Allele origin: unknown. Affected: yes. Observed: 1 heterozygote. Study: ThromboGenomics.

Angelo Bianchi Bonomi Hemophilia and Thrombosis Center, Fondazione IRCCS Ca Granda Ospedale Maggiore Policlinico
Classification: Pathogenic for von Willebrand disease type 3. Last evaluated: 2020-11-01. Review status: no assertion criteria provided. Collection method: clinical testing. Allele origin: germline. Affected: yes. Study: Type 3 Von Willebrand International Registries Inhibitor Prospective Study (3WINTERS-IPS). Not counted in ClinVar's aggregate classification.
Comment: variant already reported in ClinVar

OMIM
Classification: Pathogenic for VON WILLEBRAND DISEASE, TYPE 3. Last evaluated: 1992-10-01. Review status: no assertion criteria provided. Collection method: literature only. Allele origin: germline. Not counted in ClinVar's aggregate classification.

OMIM
Classification: Pathogenic for VON WILLEBRAND DISEASE, TYPE 1. Last evaluated: 1992-10-01. Review status: no assertion criteria provided. Collection method: literature only. Allele origin: germline. Not counted in ClinVar's aggregate classification.

Academic Unit of Haematology, University of Sheffield
No classification provided. Review status: no classification provided. Collection method: not provided. Allele origin: not provided. Not counted in ClinVar's aggregate classification.

Literature cited by the submitters: PubMed 36299619 (cited by Women's Health and Genetics/Laboratory Corporation of America, LabCorp); PubMed 21362127 (cited by Mayo Clinic Laboratories, Mayo Clinic); PubMed 23407766 (cited by Mayo Clinic Laboratories, Mayo Clinic); PubMed 24712919 (cited by Mayo Clinic Laboratories, Mayo Clinic); PubMed 28916584 (cited by Mayo Clinic Laboratories, Mayo Clinic); PubMed 29665224 (cited by Mayo Clinic Laboratories, Mayo Clinic); PubMed 31532876 (cited by Mayo Clinic Laboratories, Mayo Clinic); PubMed 34351388 (cited by Mayo Clinic Laboratories, Mayo Clinic); PubMed 35343054 (cited by Mayo Clinic Laboratories, Mayo Clinic); PubMed 37647632 (cited by Mayo Clinic Laboratories, Mayo Clinic); PubMed 38374194 (cited by Mayo Clinic Laboratories, Mayo Clinic); PubMed 38762018 (cited by Mayo Clinic Laboratories, Mayo Clinic); PubMed 39002731 (cited by Mayo Clinic Laboratories, Mayo Clinic); PubMed 8088787 (cited by Mayo Clinic Laboratories, Mayo Clinic); PubMed 31064749 (cited by NIHR Bioresource Rare Diseases, University of Cambridge); PubMed 1415226 (cited by OMIM).

NM_000552.5(VWF):c.5557C>T (p.Arg1853Ter)

Gene: VWF (von Willebrand factor; minus strand). Cytogenetic location: 12p13.31.
Variant type: single nucleotide variant.
Coding change: c.5557C>T on transcript NM_000552.5 (MANE Select); coding-DNA position 5557, C replaced by T.
Protein change: p.Arg1853Ter; replaces arginine 1853 with a stop codon.
Molecular consequence: nonsense.
Genome position (GRCh38, 1-based): chr12:6,013,544, G>A on the plus strand (C>T on the coding strand, the complement: VWF is on the minus strand). VCF-style: chr12-6013544-G-A. GRCh37 (hg19) VCF-style: chr12-6122710-G-A.
Other names: R1852*; p.Arg1853*; c.5557C>T (NM_000552.4); short protein forms R1853*.
Identifiers: ClinVar variation 298 (VCV000000298.33), dbSNP rs61750612, ClinGen allele CA114143.